The following is an entry in ClinVar:

ClinVar aggregate classification (germline): Likely benign. Review status: reviewed by expert panel (3 of 4 stars). 3 submissions from 3 submitters: Likely benign (1). 2 of the submissions do not count toward it. Last evaluated 2017-06-29.

Conditions:
Hereditary breast ovarian cancer syndrome. Also called: Hereditary breast and ovarian cancer syndrome (HBOC); BRCA1- and BRCA2-Associated Hereditary Breast and Ovarian Cancer; Hereditary breast and/or ovarian cancer syndrome; Hereditary breast and ovarian cancer syndrome; Hereditary breast and ovarian cancer; Breast and ovarian cancer. Identifiers: Orphanet 145, MedGen C0677776, MeSH D061325, MONDO:0003582. Disease mechanism: loss of function.
Hereditary cancer-predisposing syndrome. Also called: Neoplastic Syndromes, Hereditary; Hereditary neoplastic syndrome; Tumor predisposition; Hereditary Cancer Syndrome. Identifiers: Orphanet 140162, MedGen C0027672, MeSH D009386, MONDO:0015356.
Breast-ovarian cancer, familial, susceptibility to, 1 (BROVCA1). Also called: BRCA1 Hereditary Breast and Ovarian Cancer; OVARIAN CANCER, SUSCEPTIBILITY TO. Identifiers: Orphanet 145, MedGen C2676676, MONDO:0011450, OMIM 604370. Disease mechanism: loss of function.

Submissions (3):

Evidence-based Network for the Interpretation of Germline Mutant Alleles (ENIGMA)
Classification: Likely benign for Breast-ovarian cancer, familial, susceptibility to, 1. Last evaluated: 2017-06-29. Review status: reviewed by expert panel. Criteria: ENIGMA BRCA1/2 Classification Criteria (2017-06-29). Collection method: curation. Allele origin: germline.
Comment: Synonymous substitution variant, with low bioinformatic likelihood to result in a splicing aberration (Splicing prior probability 0.02).

Ambry Genetics
Classification: Likely benign for Hereditary cancer-predisposing syndrome. Last evaluated: 2026-05-14. Review status: criteria provided, single submitter. Criteria: Ambry Variant Classification Scheme 2023. Collection method: clinical testing. Allele origin: germline. Not counted in ClinVar's aggregate classification.

Labcorp Genetics (formerly Invitae), Labcorp
Classification: Likely benign for Hereditary breast ovarian cancer syndrome. Last evaluated: 2023-05-19. Review status: criteria provided, single submitter. Criteria: Invitae Variant Classification Sherloc (09022015). Collection method: clinical testing. Allele origin: germline. Not counted in ClinVar's aggregate classification.

NM_007294.4(BRCA1):c.3918G>A (p.Leu1306=)

Genes: BRCA1 (BRCA1 DNA repair associated; minus strand), LOC126862571 (BRD4-independent group 4 enhancer GRCh37_chr17:41243136-41244335; plus strand). Cytogenetic location: 17q21.31.
Variant type: single nucleotide variant.
Coding change: c.3918G>A on transcript NM_007294.4 (MANE Select); coding-DNA position 3918, G replaced by A.
Protein change: p.Leu1306=; no amino-acid change (leucine 1306 retained).
Molecular consequence: synonymous variant. On other transcripts: intron variant (135).
Genome position (GRCh38, 1-based): chr17:43,091,613, C>T on the plus strand (G>A on the coding strand, the complement: BRCA1 is on the minus strand). VCF-style: chr17-43091613-C-T. GRCh37 (hg19) VCF-style: chr17-41243630-C-T.
Other names: c.785-581G>A (NM_001408398.1, NM_001407992.1, NM_001408400.1 and 13 more transcripts); c.665-581G>A (NM_001408440.1, NM_001408428.1, NM_001408441.1 and 12 more transcripts); c.671-581G>A (NM_001408418.1, NM_001408423.1, NM_001408420.1 and 2 more transcripts); c.788-581G>A (NM_001407981.1, NM_007298.4, NM_001407978.1 and 17 more transcripts); c.644-581G>A (NM_001408462.1, NM_001408470.1, NM_001408464.1 and 3 more transcripts); c.710-581G>A (NM_001408414.1, NM_001408411.1, NM_001408415.1 and 2 more transcripts); c.578-581G>A (NM_001408514.1, NM_001408485.1, NM_001408483.1 and 9 more transcripts); c.662-581G>A (NM_001408447.1, NM_001408433.1, NM_001408446.1 and 6 more transcripts); and 41 more.
Identifiers: ClinVar variation 427285 (VCV000427285.8), dbSNP rs786202068, ClinGen allele CA500232127.